The following is an entry in ClinVar:

ClinVar aggregate classification (germline): Uncertain significance (1 of 4 stars; one submission).

Conditions:
Nephronophthisis. Also called: Juvenile Nephronophthisis. Identifiers: Orphanet 655, MedGen C0687120, MONDO:0019005, HP:0000090.

Allele frequency attached by ClinVar (database versions not stated): gnomAD exomes below 0.00001 and 0.00001; gnomAD 0.00001.
gnomAD v4.1: 12 of 1,608,574 alleles (0.00075%); highest among the groups gnomAD compares: South Asian, 0.0011%; no homozygotes.

Submission:

Labcorp Genetics (formerly Invitae), Labcorp
Classification: Uncertain significance for Nephronophthisis. Last evaluated: 2022-10-05. Review status: criteria provided, single submitter. Criteria: Invitae Variant Classification Sherloc (09022015). Collection method: clinical testing. Allele origin: germline.
Comment: ClinVar contains an entry for this variant (Variation ID: 1061688). This sequence change replaces cysteine, which is neutral and slightly polar, with serine, which is neutral and polar, at codon 1324 of the NPHP4 protein (p.Cys1324Ser). This variant is present in population databases (no rsID available, gnomAD 0.003%). This variant has not been reported in the literature in individuals affected with NPHP4-related conditions. Advanced modeling of protein sequence and biophysical properties (such as structural, functional, and spatial information, amino acid conservation, physicochemical variation, residue mobility, and thermodynamic stability) performed at Invitae indicates that this missense variant is not expected to disrupt NPHP4 protein function. In summary, the available evidence is currently insufficient to determine the role of this variant in disease. Therefore, it has been classified as a Variant of Uncertain Significance.

NM_015102.5(NPHP4):c.3971G>C (p.Cys1324Ser)

Gene: NPHP4 (nephrocystin 4; minus strand). Cytogenetic location: 1p36.31.
Variant type: single nucleotide variant.
Coding change: c.3971G>C on transcript NM_015102.5 (MANE Select); coding-DNA position 3971, G replaced by C.
Protein change: p.Cys1324Ser; replaces cysteine 1324 with serine.
Molecular consequence: missense variant. On other transcripts: non-coding transcript variant (1).
Genome position (GRCh38, 1-based): chr1:5,864,363, C>G on the plus strand (G>C on the coding strand, the complement: NPHP4 is on the minus strand). VCF-style: chr1-5864363-C-G. GRCh37 (hg19) VCF-style: chr1-5924423-C-G.
Other names: c.2432G>C, p.Cys811Ser (NM_001291593.2); c.2435G>C, p.Cys812Ser (NM_001291594.2); short protein forms C1324S, C811S, C812S.
Identifiers: ClinVar variation 1061688 (VCV001061688.9), dbSNP rs1371346310, ClinGen allele CA338049601.
Genomic context (GRCh38, chr1:5,864,363, plus strand): 5'-CATCCCCTCAGCCTGTGCCTGCCACACATACAGACCTTGGAGATGAGCGGCTGGCGGCAG[C>G]AGAGGCACACGAGCCAGGAGGCCACCAGCTGGTGGCAATCCACGTCCACCAGGTTGAGAT-3'
Protein context (NP_055917.1, residues 1314-1334): QLVASWLVCL[Cys1324Ser]CRQPLISKAF